The following is an entry in ClinVar:

NM_138576.4(BCL11B):c.482A>T (p.His161Leu)

Gene: BCL11B (BCL11 transcription factor B; minus strand). Cytogenetic location: 14q32.2.
Variant type: single nucleotide variant.
Coding change: c.482A>T on transcript NM_138576.4 (MANE Select); coding-DNA position 482, A replaced by T.
Protein change: p.His161Leu; replaces histidine 161 with leucine.
Molecular consequence: missense variant. On other transcripts: intron variant (2).
Genome position (GRCh38, 1-based): chr14:99,231,503, T>A on the plus strand (A>T on the coding strand, the complement: BCL11B is on the minus strand). VCF-style: chr14-99231503-T-A. GRCh37 (hg19) VCF-style: chr14-99697840-T-A.
Other names: c.479A>T, p.His160Leu (NM_001282237.2); c.424+25968A>T (NM_001282238.2); c.427+25968A>T (NM_022898.3); short protein forms H161L, H160L.
Identifiers: ClinVar variation 3990985 (VCV003990985.2).

ClinVar aggregate classification (germline): Uncertain significance. Review status: criteria provided, multiple submitters, no conflicts (2 of 4 stars). 2 submissions from 2 submitters: Uncertain significance (2). Last evaluated 2025-05-25.

Conditions:
Inborn genetic diseases. Identifiers: MedGen C0950123, MeSH D030342.

gnomAD v4.1: 7 of 1,597,708 alleles (0.00044%); highest among the groups gnomAD compares: East Asian, 0.016%; no homozygotes.

Submissions (2):

Ambry Genetics
Classification: Uncertain significance for Inborn genetic diseases. Last evaluated: 2025-05-25. Review status: criteria provided, single submitter. Criteria: Ambry Variant Classification Scheme 2023. Collection method: clinical testing. Allele origin: germline.

Labcorp Genetics (formerly Invitae), Labcorp
Classification: Uncertain significance. Last evaluated: 2025-02-25. Review status: criteria provided, single submitter. Criteria: Invitae Variant Classification Sherloc (09022015). Collection method: clinical testing. Allele origin: germline.
Comment: This sequence change replaces histidine, which is basic and polar, with leucine, which is neutral and non-polar, at codon 161 of the BCL11B protein (p.His161Leu). This variant is present in population databases (rs750583365, gnomAD 0.01%). This variant has not been reported in the literature in individuals affected with BCL11B-related conditions. Invitae Evidence Modeling of protein sequence and biophysical properties (such as structural, functional, and spatial information, amino acid conservation, physicochemical variation, residue mobility, and thermodynamic stability) indicates that this missense variant is not expected to disrupt BCL11B protein function with a negative predictive value of 95%. In summary, the available evidence is currently insufficient to determine the role of this variant in disease. Therefore, it has been classified as a Variant of Uncertain Significance.